The following is an entry in ClinVar:

NM_002769.5(PRSS1):c.455-3C>A

Genes: PRSS1 (serine protease 1; plus strand), TRB (T cell receptor beta locus; plus strand). Cytogenetic location: 7q34.
Variant type: single nucleotide variant.
Coding change: c.455-3C>A on transcript NM_002769.5 (MANE Select); 3 bases into the intron before coding-DNA position 455, C replaced by A.
Molecular consequence: intron variant.
Genome position (GRCh38, 1-based): chr7:142,752,428, C>A. VCF-style: chr7-142752428-C-A. GRCh37 (hg19) VCF-style: chr7-142460279-C-A.
Identifiers: ClinVar variation 1446229 (VCV001446229.8), dbSNP rs760226452, ClinGen allele CA4530013.
Genomic context (GRCh38, chr7:142,752,428, plus strand): 5'-TTGTCTCCTTCTCTGGCCTGACCCACATTTCTACTTCCTTTGATCTCTTCCTGATCCTCA[C>A]AGCCGACTACCCAGACGAGCTGCAGTGCCTGGATGCTCCTGTGCTGAGCCAGGCTAAGTG-3'

ClinVar aggregate classification (germline): Uncertain significance. Review status: criteria provided, multiple submitters, no conflicts (2 of 4 stars). 2 submissions from 2 submitters: Uncertain significance (2). Last evaluated 2025-10-22.

Conditions:
Hereditary pancreatitis (PCTT). Also called: Hereditary chronic pancreatitis; PRSS1-Related Hereditary Pancreatitis. Identifiers: Orphanet 676, MedGen C0238339, MONDO:0008185, OMIM 167800.

Allele frequency attached by ClinVar (database versions not stated): gnomAD exomes 0.00001; ExAC 0.00002.
gnomAD v4.1: 5 of 1,614,000 alleles (0.00031%); highest among the groups gnomAD compares: Non-Finnish European, 0.00034%; no homozygotes.

Submissions (2):

Labcorp Genetics (formerly Invitae), Labcorp
Classification: Uncertain significance for Hereditary pancreatitis. Last evaluated: 2025-10-22. Review status: criteria provided, single submitter. Criteria: Invitae Variant Classification Sherloc (09022015). Collection method: clinical testing. Allele origin: germline.
Comment: This sequence change falls in intron 3 of the PRSS1 gene. It does not directly change the encoded amino acid sequence of the PRSS1 protein. It affects a nucleotide within the consensus splice site. The frequency data for this variant in the population databases is considered unreliable, as metrics indicate poor data quality at this position in the gnomAD database. This variant has not been reported in the literature in individuals affected with PRSS1-related conditions. ClinVar contains an entry for this variant (Variation ID: 1446229). Variants that disrupt the consensus splice site are a relatively common cause of aberrant splicing (PMID: 17576681, 9536098). Algorithms developed to predict the effect of sequence changes on RNA splicing suggest that this variant may disrupt the consensus splice site. In summary, the available evidence is currently insufficient to determine the role of this variant in disease. Therefore, it has been classified as a Variant of Uncertain Significance.

Ambry Genetics
Classification: Uncertain significance for Hereditary pancreatitis. Last evaluated: 2020-10-29. Review status: criteria provided, single submitter. Criteria: Ambry Variant Classification Scheme 2023. Collection method: clinical testing. Allele origin: germline.
Comment: The c.455-3C>A intronic variant results from a C to A substitution 3 nucleotides upstream from coding exon 4 in the PRSS1 gene. This nucleotide position is poorly conserved in available vertebrate species. In silico splice site analysis for this alteration is inconclusive. Since supporting evidence is limited at this time, the clinical significance of this alteration remains unclear.

Literature cited by the submitters: PubMed 17576681 (cited by Labcorp Genetics (formerly Invitae), Labcorp); PubMed 9536098 (cited by Labcorp Genetics (formerly Invitae), Labcorp).